The following is an entry in ClinVar:

NM_032638.5(GATA2):c.577C>T (p.Pro193Ser)

Gene: GATA2 (GATA binding protein 2; minus strand). Cytogenetic location: 3q21.3.
Variant type: single nucleotide variant.
Coding change: c.577C>T on transcript NM_032638.5 (MANE Select); coding-DNA position 577, C replaced by T.
Protein change: p.Pro193Ser; replaces proline 193 with serine.
Molecular consequence: missense variant.
Genome position (GRCh38, 1-based): chr3:128,486,021, G>A on the plus strand (C>T on the coding strand, the complement: GATA2 is on the minus strand). VCF-style: chr3-128486021-G-A. GRCh37 (hg19) VCF-style: chr3-128204864-G-A.
Other names: c.577C>T, p.Pro193Ser (NM_001145661.2, NM_001145662.1); short protein forms P193S.
Identifiers: ClinVar variation 1902832 (VCV001902832.5), dbSNP rs2472930836, ClinGen allele CA354406483.

ClinVar aggregate classification (germline): Uncertain significance (1 of 4 stars; one submission).

Conditions:
Deafness-lymphedema-leukemia syndrome. Also called: Emberger syndrome; Lymphedema, primary, with myelodysplasia. Identifiers: Orphanet 3226, MedGen C3279664, MONDO:0013540, OMIM 614038.
Monocytopenia with susceptibility to infections. Also called: GATA2 DEFICIENCY; MONOCYTOPENIA AND MYCOBACTERIAL INFECTION SYNDROME; MONOCYTOPENIA WITH SUSCEPTIBILITY TO MYCOBACTERIAL, FUNGAL, AND PAPILLOMAVIRUS INFECTIONS AND MYELODYSPLASIA; COMBINED IMMUNODEFICIENCY WITH SUSCEPTIBILITY TO MYCOBACTERIAL, VIRAL, AND FUNGAL INFECTIONS; Dendritic cell, monocyte, B lymphocyte, and natural killer lymphocyte deficiency; IMMUNODEFICIENCY 21. Identifiers: Orphanet 228423, MedGen C3280030, MONDO:0013607, OMIM 614172.

Submission:

Labcorp Genetics (formerly Invitae), Labcorp
Classification: Uncertain significance for Monocytopenia with susceptibility to infections; Deafness-lymphedema-leukemia syndrome. Last evaluated: 2022-06-11. Review status: criteria provided, single submitter. Criteria: Invitae Variant Classification Sherloc (09022015). Collection method: clinical testing. Allele origin: germline.
Comment: In summary, the available evidence is currently insufficient to determine the role of this variant in disease. Therefore, it has been classified as a Variant of Uncertain Significance. Advanced modeling of protein sequence and biophysical properties (such as structural, functional, and spatial information, amino acid conservation, physicochemical variation, residue mobility, and thermodynamic stability) performed at Invitae indicates that this missense variant is not expected to disrupt GATA2 protein function. This variant has not been reported in the literature in individuals affected with GATA2-related conditions. This variant is not present in population databases (gnomAD no frequency). This sequence change replaces proline, which is neutral and non-polar, with serine, which is neutral and polar, at codon 193 of the GATA2 protein (p.Pro193Ser).